The following is an entry in ClinVar:

NM_015702.3(MMADHC):c.478+6T>G

Gene: MMADHC (metabolism of cobalamin associated D; minus strand). Cytogenetic location: 2q23.2.
Variant type: single nucleotide variant.
Coding change: c.478+6T>G on transcript NM_015702.3 (MANE Select); 6 bases into the intron after coding-DNA position 478, T replaced by G.
Molecular consequence: intron variant.
Genome position (GRCh38, 1-based): chr2:149,576,431, A>C on the plus strand (T>G on the coding strand, the complement: MMADHC is on the minus strand). VCF-style: chr2-149576431-A-C. GRCh37 (hg19) VCF-style: chr2-150432945-A-C.
Identifiers: ClinVar variation 331378 (VCV000331378.20), dbSNP rs13402787, ClinGen allele CA1902396.

ClinVar aggregate classification (germline): Benign. Review status: criteria provided, multiple submitters, no conflicts (2 of 4 stars). 7 submissions from 6 submitters: Benign (6). 1 of the submissions does not count toward it. Last evaluated 2026-02-02.

Conditions:
Disorders of Intracellular Cobalamin Metabolism. Identifiers: MedGen CN043592.
Methylmalonic aciduria and homocystinuria type cblD (MAHCD). Also called: Methylmalonic aciduria with homocystinuria cblD type; METHYLMALONIC ACIDEMIA, cblH TYPE. Identifiers: Orphanet 622, Orphanet 79283, MedGen C1848552, MONDO:0010185, OMIM 277410.

Allele frequency attached by ClinVar (database versions not stated): gnomAD exomes 0.00149 and 0.00392; ExAC 0.00498; gnomAD 0.01536 and 0.01622; ESP Exome Variant Server 0.01668; 1000 Genomes Project 0.01777; TOPMed 0.01782; 1000 Genomes Project 30x 0.01827.
gnomAD v4.1: 4,570 of 1,576,222 alleles (0.29%); highest among the groups gnomAD compares: African/African-American, 5.4%; 122 homozygotes.

Submissions (14):

Labcorp Genetics (formerly Invitae), Labcorp
Classification: Benign for Methylmalonic aciduria and homocystinuria type cblD. Last evaluated: 2026-02-02. Review status: criteria provided, single submitter. Criteria: Invitae Variant Classification Sherloc (09022015). Collection method: clinical testing. Allele origin: germline.

ARUP Laboratories, Molecular Genetics and Genomics, ARUP Laboratories
Classification: Benign. Last evaluated: 2023-09-08. Review status: criteria provided, single submitter. Criteria: ARUP Molecular Germline Variant Investigation Process 2024. Collection method: clinical testing. Allele origin: germline.

Illumina Laboratory Services, Illumina
Classification: Benign for Methylmalonic aciduria and homocystinuria type cblD. Last evaluated: 2018-01-12. Review status: criteria provided, single submitter. Criteria: ICSL Variant Classification Criteria 13 December 2019. Collection method: clinical testing. Allele origin: germline.
Comment: This variant was observed in the ICSL laboratory as part of a predisposition screen in an ostensibly healthy population. It had not been previously curated by ICSL or reported in the Human Gene Mutation Database (HGMD: prior to June 1st, 2018), and was therefore a candidate for classification through an automated scoring system. Utilizing variant allele frequency, disease prevalence and penetrance estimates, and inheritance mode, an automated score was calculated to assess if this variant is too frequent to cause the disease. Based on the score and internal cut-off values, a variant classified as benign is not then subjected to further curation. The score for this variant resulted in a classification of benign for this disease.

Illumina Laboratory Services, Illumina
Classification: Benign for Disorders of Intracellular Cobalamin Metabolism. Last evaluated: 2018-01-12. Review status: criteria provided, single submitter. Criteria: ICSL Variant Classification Criteria 13 December 2019. Collection method: clinical testing. Allele origin: germline.
Comment: the same text as in the submission from Illumina Laboratory Services, Illumina above.

GeneDx
Classification: Benign. Last evaluated: 2015-03-03. Review status: criteria provided, single submitter. Criteria: GeneDx Variant Classification Process June 2021. Collection method: clinical testing. Allele origin: germline. Affected: yes.

Breakthrough Genomics
Classification: Benign. Review status: criteria provided, single submitter. Criteria: ACMG Guidelines, 2015. Collection method: not provided. Allele origin: germline. Inheritance: Autosomal recessive inheritance. Affected: yes.

Natera, Inc.
Classification: Benign for Methylmalonic aciduria with homocystinuria cblD type. Last evaluated: 2020-09-16. Review status: no assertion criteria provided. Collection method: clinical testing. Allele origin: germline. Not counted in ClinVar's aggregate classification.

Dr. Peter K. Rogan Lab, Western University
No classification provided (evidence only). Condition: Lung cancer. Review status: no classification provided. Collection method: in vitro. Allele origin: not applicable. Functional consequence: retained intron. Not counted in ClinVar's aggregate classification.

Dr. Peter K. Rogan Lab, Western University
No classification provided (evidence only). Condition: Uterine corpus endometrial carcinoma. Review status: no classification provided. Collection method: in vitro. Allele origin: not applicable. Functional consequence: retained intron. Not counted in ClinVar's aggregate classification.

Dr. Peter K. Rogan Lab, Western University
No classification provided (evidence only). Condition: Uterine corpus endometrial carcinoma. Review status: no classification provided. Collection method: in vitro. Allele origin: not applicable. Functional consequence: retained intron. Not counted in ClinVar's aggregate classification.

Dr. Peter K. Rogan Lab, Western University
No classification provided (evidence only). Condition: Uterine corpus endometrial carcinoma. Review status: no classification provided. Collection method: in vitro. Allele origin: not applicable. Functional consequence: retained intron. Not counted in ClinVar's aggregate classification.

Dr. Peter K. Rogan Lab, Western University
No classification provided (evidence only). Condition: Sarcoma. Review status: no classification provided. Collection method: in vitro. Allele origin: not applicable. Functional consequence: retained intron. Not counted in ClinVar's aggregate classification.

Dr. Peter K. Rogan Lab, Western University
No classification provided (evidence only). Condition: Thymoma. Review status: no classification provided. Collection method: in vitro. Allele origin: not applicable. Functional consequence: retained intron. Not counted in ClinVar's aggregate classification.

Dr. Peter K. Rogan Lab, Western University
No classification provided (evidence only). Condition: Ovarian serous cystadenocarcinoma. Review status: no classification provided. Collection method: in vitro. Allele origin: not applicable. Functional consequence: retained intron. Not counted in ClinVar's aggregate classification.